The following is an entry in ClinVar:

NM_002098.6(GUCA1B):c.514C>T (p.Arg172Trp)

Gene: GUCA1B (guanylate cyclase activator 1B; minus strand). Cytogenetic location: 6p21.1.
Variant type: single nucleotide variant.
Coding change: c.514C>T on transcript NM_002098.6 (MANE Select); coding-DNA position 514, C replaced by T.
Protein change: p.Arg172Trp; replaces arginine 172 with tryptophan.
Molecular consequence: missense variant.
Genome position (GRCh38, 1-based): chr6:42,184,904, G>A on the plus strand (C>T on the coding strand, the complement: GUCA1B is on the minus strand). VCF-style: chr6-42184904-G-A. GRCh37 (hg19) VCF-style: chr6-42152642-G-A.
Other names: c.514C>T (NM_002098.5); short protein forms R172W.
Identifiers: ClinVar variation 2136273 (VCV002136273.4), dbSNP rs755162612, ClinGen allele CA3805508.

ClinVar aggregate classification (germline): Uncertain significance. Review status: criteria provided, multiple submitters, no conflicts (2 of 4 stars). 2 submissions from 2 submitters: Uncertain significance (2). Last evaluated 2023-04-24.

Allele frequency attached by ClinVar (database versions not stated): ExAC 0.00001; gnomAD exomes 0.00001; gnomAD 0.00002; TOPMed 0.00002.
gnomAD v4.1: 21 of 1,613,914 alleles (0.0013%); highest among the groups gnomAD compares: East Asian, 0.029%; no homozygotes.

Submissions (2):

Labcorp Genetics (formerly Invitae), Labcorp
Classification: Uncertain significance. Last evaluated: 2023-04-24. Review status: criteria provided, single submitter. Criteria: Invitae Variant Classification Sherloc (09022015). Collection method: clinical testing. Allele origin: germline.
Comment: In summary, the available evidence is currently insufficient to determine the role of this variant in disease. Therefore, it has been classified as a Variant of Uncertain Significance. An algorithm developed to predict the effect of missense changes on protein structure and function (PolyPhen-2) suggests that this variant is likely to be disruptive. ClinVar contains an entry for this variant (Variation ID: 2136273). This missense change has been observed in individual(s) with high myopia (PMID: 29453956). This variant is present in population databases (rs755162612, gnomAD 0.05%). This sequence change replaces arginine, which is basic and polar, with tryptophan, which is neutral and slightly polar, at codon 172 of the GUCA1B protein (p.Arg172Trp).

GeneDx
Classification: Uncertain significance. Last evaluated: 2022-07-22. Review status: criteria provided, single submitter. Criteria: GeneDx Variant Classification Process June 2021. Collection method: clinical testing. Allele origin: germline. Affected: yes.
Comment: Identified in a cohort of individuals with late-onset high myopia, although zygosity and patient specific clinical information were not provided (Zhou et al., 2018); In silico analysis supports that this missense variant has a deleterious effect on protein structure/function; This variant is associated with the following publications: (PMID: 29453956)

Literature cited by the submitters: PubMed 29453956 (cited by Labcorp Genetics (formerly Invitae), Labcorp).